The following is an entry in ClinVar:

NM_030632.3(ASXL3):c.4817G>A (p.Arg1606Gln)

Gene: ASXL3 (ASXL transcriptional regulator 3; plus strand). Cytogenetic location: 18q12.1.
Variant type: single nucleotide variant.
Coding change: c.4817G>A on transcript NM_030632.3 (MANE Select); coding-DNA position 4817, G replaced by A.
Protein change: p.Arg1606Gln; replaces arginine 1606 with glutamine.
Molecular consequence: missense variant.
Genome position (GRCh38, 1-based): chr18:33,744,665, G>A. VCF-style: chr18-33744665-G-A. GRCh37 (hg19) VCF-style: chr18-31324629-G-A.
Other names: short protein forms R1606Q.
Identifiers: ClinVar variation 1191541 (VCV001191541.30), dbSNP rs116363417, ClinGen allele CA8934336.

ClinVar aggregate classification (germline): Benign/Likely benign. Review status: criteria provided, multiple submitters, no conflicts (2 of 4 stars). 4 submissions from 4 submitters: Benign (1); Likely benign (3). Last evaluated 2025-12-01.

Conditions:
Bainbridge-Ropers syndrome. Also called: Severe feeding difficulties-failure to thrive-microcephaly due to ASXL3 deficiency syndrome. Identifiers: Orphanet 352577, MedGen C4750837, MONDO:0014205, OMIM 615485.

Allele frequency attached by ClinVar (database versions not stated): gnomAD exomes 0.00084 and 0.00036; gnomAD 0.00320 and 0.00339; 1000 Genomes Project 0.00439; ExAC 0.00135; ESP Exome Variant Server 0.00285; TOPMed 0.00346; 1000 Genomes Project 30x 0.00437.
gnomAD v4.1: 1,034 of 1,608,052 alleles (0.064%); highest among the groups gnomAD compares: African/African-American, 1.2%; 4 homozygotes.

Submissions (4):

CeGaT Center for Human Genetics Tuebingen
Classification: Likely benign. Last evaluated: 2025-12-01. Review status: criteria provided, single submitter. Criteria: CeGaT Center For Human Genetics Tuebingen Variant Classification Criteria Version 2. Collection method: clinical testing. Allele origin: germline. Affected: yes. Observed: 4 variant alleles.
Comment: ASXL3: BP4, BS1

Blueprint Genetics
Classification: Likely benign. Last evaluated: 2024-10-28. Review status: criteria provided, single submitter. Criteria: ACMG Guidelines, 2015. Collection method: clinical testing. Allele origin: germline.

Fulgent Genetics
Classification: Likely benign for Bainbridge-Ropers syndrome. Last evaluated: 2022-02-15. Review status: criteria provided, single submitter. Criteria: ACMG Guidelines, 2015. Collection method: clinical testing. Allele origin: unknown.

GeneDx
Classification: Benign. Last evaluated: 2021-08-06. Review status: criteria provided, single submitter. Criteria: GeneDx Variant Classification Process June 2021. Collection method: clinical testing. Allele origin: germline. Affected: yes.